The following is an entry in ClinVar:

ClinVar aggregate classification (germline): Benign. Review status: criteria provided, multiple submitters, no conflicts (2 of 4 stars). 9 submissions from 9 submitters: Benign (5). 4 of the submissions do not count toward it. Last evaluated 2026-02-03.

Conditions:
Neutral 1 amino acid transport defect (HND). Also called: HARTNUP DISORDER; Hartnup disease. Identifiers: Orphanet 2116, MedGen C0018609, MONDO:0009324, OMIM 234500.

Allele frequency attached by ClinVar (database versions not stated): 1000 Genomes Project 0.84006; 1000 Genomes Project 30x 0.84354; TOPMed 0.90376; gnomAD 0.91187 and 0.91839; ESP Exome Variant Server 0.92726.
gnomAD v4.1: 1,503,239 of 1,613,878 alleles (93%); highest among the groups gnomAD compares: Non-Finnish European, 95%; 702,586 homozygotes.

Submissions (9):

Labcorp Genetics (formerly Invitae), Labcorp
Classification: Benign. Last evaluated: 2026-02-03. Review status: criteria provided, single submitter. Criteria: Invitae Variant Classification Sherloc (09022015). Collection method: clinical testing. Allele origin: germline.

Blueprint Genetics
Classification: Benign. Last evaluated: 2024-11-26. Review status: criteria provided, single submitter. Criteria: ACMG Guidelines, 2015. Collection method: clinical testing. Allele origin: germline.

Mayo Clinic Laboratories, Mayo Clinic
Classification: Benign. Last evaluated: 2022-03-24. Review status: criteria provided, single submitter. Criteria: ACMG Guidelines, 2015. Collection method: clinical testing. Allele origin: germline. Observed: 558 variant alleles.

Genome-Nilou Lab
Classification: Benign for Neutral 1 amino acid transport defect. Last evaluated: 2021-07-14. Review status: criteria provided, single submitter. Criteria: ACMG Guidelines, 2015. Collection method: clinical testing. Allele origin: germline. Affected: no.

Breakthrough Genomics
Classification: Benign. Review status: criteria provided, single submitter. Criteria: ACMG Guidelines, 2015. Collection method: not provided. Allele origin: germline. Inheritance: Autosomal recessive inheritance. Affected: yes.

Clinical Genetics, Academic Medical Center
Classification: Benign. Review status: no assertion criteria provided. Collection method: clinical testing. Allele origin: germline. Affected: yes. Study: VKGL Data-share Consensus. Not counted in ClinVar's aggregate classification.

Diagnostic Laboratory, Department of Genetics, University Medical Center Groningen
Classification: Benign. Review status: no assertion criteria provided. Collection method: clinical testing. Allele origin: germline. Affected: yes. Study: VKGL Data-share Consensus. Not counted in ClinVar's aggregate classification.

Genetic Services Laboratory, University of Chicago
Classification: Likely benign for AllHighlyPenetrant. Review status: no assertion criteria provided. Collection method: clinical testing. Allele origin: germline. Inheritance: Autosomal recessive inheritance. Not counted in ClinVar's aggregate classification.
Comment: Likely benign based on allele frequency in 1000 Genomes Project or ESP global frequency and its presence in a patient with a rare or unrelated disease phenotype. NOT Sanger confirmed.

Genome Diagnostics Laboratory, University Medical Center Utrecht
Classification: Benign. Review status: no assertion criteria provided. Collection method: clinical testing. Allele origin: germline. Affected: yes. Study: VKGL Data-share Consensus. Not counted in ClinVar's aggregate classification.

NM_001003841.3(SLC6A19):c.990A>G (p.Thr330=)

Gene: SLC6A19 (solute carrier family 6 member 19; plus strand). Cytogenetic location: 5p15.33.
Variant type: single nucleotide variant.
Coding change: c.990A>G on transcript NM_001003841.3 (MANE Select); coding-DNA position 990, A replaced by G.
Protein change: p.Thr330=; no amino-acid change (threonine 330 retained).
Molecular consequence: synonymous variant.
Genome position (GRCh38, 1-based): chr5:1,216,660, A>G. VCF-style: chr5-1216660-A-G. GRCh37 (hg19) VCF-style: chr5-1216775-A-G.
Other names: p.Thr330=.
Identifiers: ClinVar variation 130354 (VCV000130354.25), dbSNP rs4975629, ClinGen allele CA155261.
Genomic context (GRCh38, chr5:1,216,660, plus strand): 5'-CGGCTTCACATCGGTGTATGTGGCCATCGTGGTCTACTCCGTCATTGGGTTCCGCGCCAC[A>G]CAGCGCTACGACGACTGCTTCAGCACGTGAGTGGCTGTCCCACCATCCTGGTGCCTTGGG-3'
Protein context (NP_001003841.1, residues 320-340): VVYSVIGFRA[Thr330=]QRYDDCFSTN